The following is an entry in ClinVar:

NM_003718.5(CDK13):c.792A>G (p.Thr264=)

Gene: CDK13 (cyclin dependent kinase 13; plus strand). Cytogenetic location: 7p14.1.
Variant type: single nucleotide variant.
Coding change: c.792A>G on transcript NM_003718.5 (MANE Select); coding-DNA position 792, A replaced by G.
Protein change: p.Thr264=; no amino-acid change (threonine 264 retained).
Molecular consequence: synonymous variant.
Genome position (GRCh38, 1-based): chr7:39,951,433, A>G. VCF-style: chr7-39951433-A-G. GRCh37 (hg19) VCF-style: chr7-39991032-A-G.
Other names: c.792A>G, p.Thr264= (NM_031267.4).
Identifiers: ClinVar variation 728052 (VCV000728052.6), dbSNP rs898600607, ClinGen allele CA157707207.

ClinVar aggregate classification (germline): Likely benign. Review status: criteria provided, multiple submitters, no conflicts (2 of 4 stars). 3 submissions from 3 submitters: Likely benign (2). 1 of the submissions does not count toward it. Last evaluated 2024-06-27.

Conditions:
CDK13-related disorder. Also called: CDK13-related condition. Identifiers: MedGen C5816700.

Allele frequency attached by ClinVar (database versions not stated): gnomAD exomes 0.00001; TOPMed 0.00003.
gnomAD v4.1: 113 of 1,534,074 alleles (0.0074%); highest among the groups gnomAD compares: Non-Finnish European, 0.0096%; no homozygotes.

Submissions (3):

Blueprint Genetics
Classification: Likely benign. Last evaluated: 2024-06-27. Review status: criteria provided, single submitter. Criteria: ACMG Guidelines, 2015. Collection method: clinical testing. Allele origin: germline.

Labcorp Genetics (formerly Invitae), Labcorp
Classification: Likely benign. Last evaluated: 2018-03-29. Review status: criteria provided, single submitter. Criteria: Invitae Variant Classification Sherloc (09022015). Collection method: clinical testing. Allele origin: germline.

PreventionGenetics, part of Exact Sciences
Classification: Likely benign for CDK13-related condition. Last evaluated: 2019-05-01. Review status: no assertion criteria provided. Collection method: clinical testing. Allele origin: germline. Not counted in ClinVar's aggregate classification.
Comment: This variant is classified as likely benign based on ACMG/AMP sequence variant interpretation guidelines (Richards et al. 2015 PMID: 25741868, with internal and published modifications).